The following is an entry in ClinVar:

NM_001128148.3(TFRC):c.1484A>G (p.Lys495Arg)

Gene: TFRC (transferrin receptor; minus strand). Cytogenetic location: 3q29.
Variant type: single nucleotide variant.
Coding change: c.1484A>G on transcript NM_001128148.3 (MANE Select); coding-DNA position 1484, A replaced by G.
Protein change: p.Lys495Arg; replaces lysine 495 with arginine.
Molecular consequence: missense variant.
Genome position (GRCh38, 1-based): chr3:196,060,232, T>C on the plus strand (A>G on the coding strand, the complement: TFRC is on the minus strand). VCF-style: chr3-196060232-T-C. GRCh37 (hg19) VCF-style: chr3-195787103-T-C.
Other names: c.1241A>G, p.Lys414Arg (NM_001313965.2); c.638A>G, p.Lys213Arg (NM_001313966.2); c.1484A>G, p.Lys495Arg (NM_003234.4); short protein forms K213R, K414R, K495R.
Identifiers: ClinVar variation 1014339 (VCV001014339.5), dbSNP rs765448251, ClinGen allele CA2777894.
Genomic context (GRCh38, chr3:196,060,232, plus strand): 5'-ATACTCACATTTTGCATTGTTTTCTCAATAAGCGTATACAACAGTGGGCTGGCAGAAACC[T>C]TGAAGTTGCTGGTACCTGAAAATAAATTGTTTTATCATTGCCCCTTCTCCATTCCGATAA-3'
Protein context (NP_001121620.1, residues 485-505): DKAVLGTSNF[Lys495Arg]VSASPLLYTL

ClinVar aggregate classification (germline): Uncertain significance (1 of 4 stars; one submission).

Allele frequency attached by ClinVar (database versions not stated): ExAC 0.00001; gnomAD exomes 0.00001; gnomAD 0.00002; TOPMed 0.00005.

Submission:

Labcorp Genetics (formerly Invitae), Labcorp
Classification: Uncertain significance. Last evaluated: 2023-08-17. Review status: criteria provided, single submitter. Criteria: Invitae Variant Classification Sherloc (09022015). Collection method: clinical testing. Allele origin: germline.
Comment: In summary, the available evidence is currently insufficient to determine the role of this variant in disease. Therefore, it has been classified as a Variant of Uncertain Significance. Advanced modeling of protein sequence and biophysical properties (such as structural, functional, and spatial information, amino acid conservation, physicochemical variation, residue mobility, and thermodynamic stability) performed at Invitae indicates that this missense variant is not expected to disrupt TFRC protein function. ClinVar contains an entry for this variant (Variation ID: 1014339). This variant has not been reported in the literature in individuals affected with TFRC-related conditions. This variant is present in population databases (rs765448251, gnomAD 0.01%). This sequence change replaces lysine, which is basic and polar, with arginine, which is basic and polar, at codon 495 of the TFRC protein (p.Lys495Arg).